The following is an entry in ClinVar:

ClinVar aggregate classification (germline): Uncertain significance (1 of 4 stars; one submission).

Conditions:
Inborn genetic diseases. Identifiers: MedGen C0950123, MeSH D030342.

gnomAD v4.1: 3 of 1,614,118 alleles (0.00019%); highest among the groups gnomAD compares: East Asian, 0.0022%; no homozygotes.

Submission:

Ambry Genetics
Classification: Uncertain significance for Inborn genetic diseases. Last evaluated: 2024-12-14. Review status: criteria provided, single submitter. Criteria: Ambry Variant Classification Scheme 2023. Collection method: clinical testing. Allele origin: germline.
Comment: The p.A443V variant (also known as c.1328C>T), located in coding exon 12 of the ASXL1 gene, results from a C to T substitution at nucleotide position 1328. The alanine at codon 443 is replaced by valine, an amino acid with similar properties. This amino acid position is conserved. In addition, this alteration is predicted to be tolerated by in silico analysis. Based on the available evidence, the clinical significance of this variant remains unclear.

NM_015338.6(ASXL1):c.1328C>T (p.Ala443Val)

Gene: ASXL1 (ASXL transcriptional regulator 1; plus strand). Cytogenetic location: 20q11.21.
Variant type: single nucleotide variant.
Coding change: c.1328C>T on transcript NM_015338.6 (MANE Select); coding-DNA position 1328, C replaced by T.
Protein change: p.Ala443Val; replaces alanine 443 with valine.
Molecular consequence: missense variant.
Genome position (GRCh38, 1-based): chr20:32,433,526, C>T. VCF-style: chr20-32433526-C-T. GRCh37 (hg19) VCF-style: chr20-31021329-C-T.
Other names: c.1145C>T, p.Ala382Val (NM_001363734.1); short protein forms A443V, A382V.
Identifiers: ClinVar variation 3791244 (VCV003791244.1).